The following is an entry in ClinVar:

ClinVar aggregate classification (germline): Uncertain significance (1 of 4 stars; one submission).

Conditions:
Hereditary cancer-predisposing syndrome. Also called: Tumor predisposition; Hereditary Cancer Syndrome; Hereditary neoplastic syndrome; Neoplastic Syndromes, Hereditary. Identifiers: Orphanet 140162, MedGen C0027672, MeSH D009386, MONDO:0015356.

Submission:

Ambry Genetics
Classification: Uncertain significance for Hereditary cancer-predisposing syndrome. Last evaluated: 2024-03-19. Review status: criteria provided, single submitter. Criteria: Ambry Variant Classification Scheme 2023. Collection method: clinical testing. Allele origin: germline.
Comment: The p.D111N variant (also known as c.331G>A), located in coding exon 2 of the NTHL1 gene, results from a G to A substitution at nucleotide position 331. The aspartic acid at codon 111 is replaced by asparagine, an amino acid with highly similar properties. This amino acid position is conserved. In addition, the in silico prediction for this alteration is inconclusive. Based on the available evidence, the clinical significance of this alteration remains unclear.

NM_002528.7(NTHL1):c.307G>A (p.Asp103Asn)

Gene: NTHL1 (nth like DNA glycosylase 1; minus strand). Cytogenetic location: 16p13.3.
Variant type: single nucleotide variant.
Coding change: c.307G>A on transcript NM_002528.7 (MANE Select); coding-DNA position 307, G replaced by A.
Protein change: p.Asp103Asn; replaces aspartic acid 103 with asparagine.
Molecular consequence: missense variant. On other transcripts: intron variant (1).
Genome position (GRCh38, 1-based): chr16:2,046,175, C>T on the plus strand (G>A on the coding strand, the complement: NTHL1 is on the minus strand). VCF-style: chr16-2046175-C-T. GRCh37 (hg19) VCF-style: chr16-2096176-C-T.
Other names: c.307G>A, p.Asp103Asn (NM_001318193.2); c.24+105G>A (NM_001318194.2); short protein forms D103N.
Identifiers: ClinVar variation 3301247 (VCV003301247.1).